The following is an entry in ClinVar:

NM_000038.6(APC):c.4785C>T (p.Ala1595=)

Gene: APC (APC regulator of Wnt signaling pathway; plus strand). Cytogenetic location: 5q22.2.
Variant type: single nucleotide variant.
Coding change: c.4785C>T on transcript NM_000038.6 (MANE Select); coding-DNA position 4785, C replaced by T.
Protein change: p.Ala1595=; no amino-acid change (alanine 1595 retained).
Molecular consequence: synonymous variant.
Genome position (GRCh38, 1-based): chr5:112,840,379, C>T. VCF-style: chr5-112840379-C-T. GRCh37 (hg19) VCF-style: chr5-112176076-C-T.
Other names: c.4785C>T, p.Ala1595= (NM_001127510.3, NM_001354895.2); c.4731C>T, p.Ala1577= (NM_001127511.3); c.4839C>T, p.Ala1613= (NM_001354896.2); c.4815C>T, p.Ala1605= (NM_001354897.2); c.4710C>T, p.Ala1570= (NM_001354898.2); c.4701C>T, p.Ala1567= (NM_001354899.2); c.4662C>T, p.Ala1554= (NM_001354900.2); c.4608C>T, p.Ala1536= (NM_001354901.2); and 5 more.
Identifiers: ClinVar variation 1090659 (VCV001090659.12), dbSNP rs201287984, ClinGen allele CA446208038.

ClinVar aggregate classification (germline): Benign/Likely benign. Review status: criteria provided, multiple submitters, no conflicts (2 of 4 stars). 3 submissions from 3 submitters: Benign (1); Likely benign (2). Last evaluated 2025-09-18.

Conditions:
Hereditary cancer-predisposing syndrome. Also called: Hereditary Cancer Syndrome; Neoplastic Syndromes, Hereditary; Hereditary neoplastic syndrome; Tumor predisposition. Identifiers: Orphanet 140162, MedGen C0027672, MeSH D009386, MONDO:0015356.
Familial adenomatous polyposis 1 (FAP1). Also called: POLYPOSIS, ADENOMATOUS INTESTINAL; FAMILIAL ADENOMATOUS POLYPOSIS 1, ATTENUATED. Identifiers: MedGen C2713442, MONDO:0021056, OMIM 175100. Disease mechanism: loss of function.

Submissions (3):

Labcorp Genetics (formerly Invitae), Labcorp
Classification: Likely benign for Familial adenomatous polyposis 1. Last evaluated: 2025-09-18. Review status: criteria provided, single submitter. Criteria: Invitae Variant Classification Sherloc (09022015). Collection method: clinical testing. Allele origin: germline.

Myriad Genetics, Inc.
Classification: Benign for Familial adenomatous polyposis 1. Last evaluated: 2024-03-27. Review status: criteria provided, single submitter. Criteria: Myriad Autosomal Dominant, Autosomal Recessive and X-Linked Classification Criteria (2023). Collection method: clinical testing. Allele origin: unknown.
Comment: This variant is considered benign. This variant is a silent/synonymous amino acid change and it is not expected to impact splicing.

Ambry Genetics
Classification: Likely benign for Hereditary cancer-predisposing syndrome. Last evaluated: 2018-05-29. Review status: criteria provided, single submitter. Criteria: Ambry Variant Classification Scheme 2023. Collection method: clinical testing. Allele origin: germline.